The following is an entry in ClinVar:

ClinVar aggregate classification (germline): Uncertain significance. Review status: criteria provided, multiple submitters, no conflicts (2 of 4 stars). 3 submissions from 3 submitters: Uncertain significance (2). 1 of the submissions does not count toward it. Last evaluated 2024-12-10.

Conditions:
Fanconi anemia (FA). Also called: Fanconi's anemia. Identifiers: Orphanet 84, MedGen C0015625, MeSH D005199, MONDO:0019391.
Inborn genetic diseases. Identifiers: MedGen C0950123, MeSH D030342.

Allele frequency attached by ClinVar (database versions not stated): gnomAD exomes below 0.00001; gnomAD 0.00001; TOPMed 0.00001.

Submissions (3):

Labcorp Genetics (formerly Invitae), Labcorp
Classification: Uncertain significance for Fanconi anemia. Last evaluated: 2024-12-10. Review status: criteria provided, single submitter. Criteria: Invitae Variant Classification Sherloc (09022015). Collection method: clinical testing. Allele origin: germline.
Comment: This sequence change replaces serine, which is neutral and polar, with asparagine, which is neutral and polar, at codon 1208 of the FANCA protein (p.Ser1208Asn). The frequency data for this variant in the population databases is considered unreliable, as metrics indicate poor data quality at this position in the gnomAD database. This variant has not been reported in the literature in individuals affected with FANCA-related conditions. ClinVar contains an entry for this variant (Variation ID: 577176). Invitae Evidence Modeling of protein sequence and biophysical properties (such as structural, functional, and spatial information, amino acid conservation, physicochemical variation, residue mobility, and thermodynamic stability) indicates that this missense variant is not expected to disrupt FANCA protein function with a negative predictive value of 95%. In summary, the available evidence is currently insufficient to determine the role of this variant in disease. Therefore, it has been classified as a Variant of Uncertain Significance.

Ambry Genetics
Classification: Uncertain significance for Inborn genetic diseases. Last evaluated: 2024-12-02. Review status: criteria provided, single submitter. Criteria: Ambry Variant Classification Scheme 2023. Collection method: clinical testing. Allele origin: germline.
Comment: The p.S1208N variant (also known as c.3623G>A), located in coding exon 36 of the FANCA gene, results from a G to A substitution at nucleotide position 3623. The serine at codon 1208 is replaced by asparagine, an amino acid with highly similar properties. This amino acid position is conserved. In addition, this alteration is predicted to be tolerated by in silico analysis. Based on the available evidence, the clinical significance of this variant remains unclear.

Natera, Inc.
Classification: Uncertain significance for Fanconi anemia. Last evaluated: 2020-03-01. Review status: no assertion criteria provided. Collection method: clinical testing. Allele origin: germline. Not counted in ClinVar's aggregate classification.

NM_000135.4(FANCA):c.3623G>A (p.Ser1208Asn)

Gene: FANCA (FA complementation group A; minus strand). Cytogenetic location: 16q24.3.
Variant type: single nucleotide variant.
Coding change: c.3623G>A on transcript NM_000135.4 (MANE Select); coding-DNA position 3623, G replaced by A.
Protein change: p.Ser1208Asn; replaces serine 1208 with asparagine.
Molecular consequence: missense variant.
Genome position (GRCh38, 1-based): chr16:89,744,962, C>T on the plus strand (G>A on the coding strand, the complement: FANCA is on the minus strand). VCF-style: chr16-89744962-C-T. GRCh37 (hg19) VCF-style: chr16-89811370-C-T.
Other names: c.3623G>A (LRG_495t1); c.3623G>A, p.Ser1208Asn (NM_001286167.3); short protein forms S1208N.
Identifiers: ClinVar variation 577176 (VCV000577176.12), dbSNP rs1351484293, ClinGen allele CA397485578.